The following is an entry in ClinVar:

NM_032634.4(PIGO):c.90C>T (p.Leu30=)

Gene: PIGO (phosphatidylinositol glycan anchor biosynthesis class O; minus strand). Cytogenetic location: 9p13.3.
Variant type: single nucleotide variant.
Coding change: c.90C>T on transcript NM_032634.4 (MANE Select); coding-DNA position 90, C replaced by T.
Protein change: p.Leu30=; no amino-acid change (leucine 30 retained).
Molecular consequence: synonymous variant.
Genome position (GRCh38, 1-based): chr9:35,095,476, G>A on the plus strand (C>T on the coding strand, the complement: PIGO is on the minus strand). VCF-style: chr9-35095476-G-A. GRCh37 (hg19) VCF-style: chr9-35095473-G-A.
Other names: c.90C>T, p.Leu30= (NM_001201484.2, NM_152850.4).
Identifiers: ClinVar variation 1544737 (VCV001544737.13), dbSNP rs145530412, ClinGen allele CA5041009.

ClinVar aggregate classification (germline): Likely benign. Review status: criteria provided, multiple submitters, no conflicts (2 of 4 stars). 2 submissions from 2 submitters: Likely benign (2). Last evaluated 2025-12-01.

Conditions:
Hyperphosphatasia with impaired intellectual development syndrome 2. Also called: Hyperphosphatasia with intellectual disability syndrome 2; GLYCOSYLPHOSPHATIDYLINOSITOL BIOSYNTHESIS DEFECT 6. Identifiers: Orphanet 247262, MedGen C3553637, MONDO:0013882, OMIM 614749.

Allele frequency attached by ClinVar (database versions not stated): gnomAD 0.00003 and 0.00004; gnomAD exomes 0.00001; ESP Exome Variant Server 0.00015; ExAC 0.00002.

Submissions (2):

CeGaT Center for Human Genetics Tuebingen
Classification: Likely benign. Last evaluated: 2025-12-01. Review status: criteria provided, single submitter. Criteria: CeGaT Center For Human Genetics Tuebingen Variant Classification Criteria Version 2. Collection method: clinical testing. Allele origin: germline. Affected: yes. Observed: 1 variant allele.
Comment: PIGO: BP4, BP7

Labcorp Genetics (formerly Invitae), Labcorp
Classification: Likely benign for Hyperphosphatasia with impaired intellectual development syndrome 2. Last evaluated: 2024-05-08. Review status: criteria provided, single submitter. Criteria: Invitae Variant Classification Sherloc (09022015). Collection method: clinical testing. Allele origin: germline.